The following is an entry in ClinVar:

ClinVar aggregate classification (germline): Uncertain significance (1 of 4 stars; one submission).

Allele frequency attached by ClinVar (database versions not stated): gnomAD 0.00001; TOPMed 0.00002.
gnomAD v4.1: 3 of 1,613,392 alleles (0.00019%); highest among the groups gnomAD compares: African/African-American, 0.0013%; no homozygotes.

Submission:

Labcorp Genetics (formerly Invitae), Labcorp
Classification: Uncertain significance. Last evaluated: 2023-12-25. Review status: criteria provided, single submitter. Criteria: Invitae Variant Classification Sherloc (09022015). Collection method: clinical testing. Allele origin: germline.
Comment: This sequence change replaces alanine, which is neutral and non-polar, with valine, which is neutral and non-polar, at codon 101 of the TGFB1 protein (p.Ala101Val). This variant is not present in population databases (gnomAD no frequency). This variant has not been reported in the literature in individuals affected with TGFB1-related conditions. Advanced modeling of protein sequence and biophysical properties (such as structural, functional, and spatial information, amino acid conservation, physicochemical variation, residue mobility, and thermodynamic stability) performed at Invitae indicates that this missense variant is not expected to disrupt TGFB1 protein function with a negative predictive value of 80%. In summary, the available evidence is currently insufficient to determine the role of this variant in disease. Therefore, it has been classified as a Variant of Uncertain Significance.

NM_000660.7(TGFB1):c.302C>T (p.Ala101Val)

Genes: TGFB1 (transforming growth factor beta 1; minus strand), LOC130064510 (ATAC-STARR-seq lymphoblastoid silent region 10661; plus strand). Cytogenetic location: 19q13.2.
Variant type: single nucleotide variant.
Coding change: c.302C>T on transcript NM_000660.7 (MANE Select); coding-DNA position 302, C replaced by T.
Protein change: p.Ala101Val; replaces alanine 101 with valine.
Molecular consequence: missense variant.
Genome position (GRCh38, 1-based): chr19:41,352,743, G>A on the plus strand (C>T on the coding strand, the complement: TGFB1 is on the minus strand). VCF-style: chr19-41352743-G-A. GRCh37 (hg19) VCF-style: chr19-41858648-G-A.
Other names: short protein forms A101V.
Identifiers: ClinVar variation 2860476 (VCV002860476.3), dbSNP rs866580372, ClinGen allele CA406004989.